The following is an entry in ClinVar:

ClinVar aggregate classification (germline): Benign/Likely benign. Review status: criteria provided, multiple submitters, no conflicts (2 of 4 stars). 8 submissions from 8 submitters: Benign (1); Likely benign (6). 1 of the submissions does not count toward it. Last evaluated 2025-08-03.

Conditions:
Hereditary nonpolyposis colorectal neoplasms. Identifiers: MedGen C0009405, MeSH D003123.
Hereditary cancer-predisposing syndrome. Also called: Tumor predisposition; Hereditary neoplastic syndrome; Neoplastic Syndromes, Hereditary; Hereditary Cancer Syndrome. Identifiers: Orphanet 140162, MedGen C0027672, MeSH D009386, MONDO:0015356.
Lynch syndrome. Identifiers: Orphanet 144, MedGen C4552100, MONDO:0005835. Disease mechanism: loss of function.
Lynch syndrome 5 (LYNCH5). Also called: Colorectal cancer, hereditary nonpolyposis, type 5; Hereditary non-polyposis colorectal cancer, type 5. Identifiers: Orphanet 144, MedGen C1833477, MONDO:0013710, OMIM 614350. Disease mechanism: loss of function.

Allele frequency attached by ClinVar (database versions not stated): gnomAD exomes below 0.00001 and 0.00001; ExAC 0.00001.
gnomAD v4.1: 3 of 1,614,074 alleles (0.00019%); highest among the groups gnomAD compares: South Asian, 0.0011%; no homozygotes.

Submissions (8):

Labcorp Genetics (formerly Invitae), Labcorp
Classification: Likely benign for Hereditary nonpolyposis colorectal neoplasms. Last evaluated: 2025-08-03. Review status: criteria provided, single submitter. Criteria: Invitae Variant Classification Sherloc (09022015). Collection method: clinical testing. Allele origin: germline.

Myriad Genetics, Inc.
Classification: Benign for Lynch syndrome 5. Last evaluated: 2025-01-07. Review status: criteria provided, single submitter. Criteria: Myriad Autosomal Dominant, Autosomal Recessive and X-Linked Classification Criteria (2023). Collection method: clinical testing. Allele origin: unknown.
Comment: This variant is considered benign. This variant is a silent/synonymous amino acid change and it is not expected to impact splicing.

All of Us Research Program, National Institutes of Health
Classification: Likely benign for Lynch syndrome. Last evaluated: 2023-03-28. Review status: criteria provided, single submitter. Criteria: ACMG Guidelines, 2015. Collection method: clinical testing. Allele origin: germline. Inheritance: Autosomal dominant inheritance. Observed: 1 variant allele, 1 heterozygote.
Comment: This study involves interpretation of variants in research participants for the purpose of population health screening. Participant phenotype was not available at the time of variant classification. Additional details can be found in publication PMID: 35346344, PMCID: PMC8962531

Color Diagnostics, LLC DBA Color Health
Classification: Likely benign for Hereditary cancer-predisposing syndrome. Last evaluated: 2018-03-07. Review status: criteria provided, single submitter. Criteria: ACMG Guidelines, 2015. Collection method: clinical testing. Allele origin: germline.

Women's Health and Genetics/Laboratory Corporation of America, LabCorp
Classification: Likely benign. Last evaluated: 2017-08-09. Review status: criteria provided, single submitter. Criteria: LabCorp Variant Classification Summary - May 2015. Collection method: clinical testing. Allele origin: germline.
Comment: Variant summary: The MSH6 c.3456A>G (p.Val1152Val) variant involves the alteration of a non-conserved nucleotide, resulting in a synonymous change. Mutation taster predicts a damaging outcome for this variant. 5/5 splice prediction tools predict no significant impact on normal splicing. ESE finder predicts that this variant does not affect binding of any ESE sites. However, these predictions have yet to be confirmed by functional studies. This variant was found in 1/121342 control chromosomes at a frequency of 0.0000082, which does not exceed the estimated maximal expected allele frequency of a pathogenic MSH6 variant (0.0001421). This variant has been reported in one patient with ovarian cancer who also carries MSH6 c.3083C>A (p.Ser1028X) (Chui_2014). In addition, multiple clinical diagnostic laboratories/reputable databases classified this variant as likely benign. Taken together, this variant is classified as likely benign.

GeneDx
Classification: Likely benign. Last evaluated: 2017-06-08. Review status: criteria provided, single submitter. Criteria: GeneDx Variant Classification (06012015). Collection method: clinical testing. Allele origin: germline. Affected: yes.
Comment: This variant is considered likely benign or benign based on one or more of the following criteria: it is a conservative change, it occurs at a poorly conserved position in the protein, it is predicted to be benign by multiple in silico algorithms, and/or has population frequency not consistent with disease.

Ambry Genetics
Classification: Likely benign for Hereditary cancer-predisposing syndrome. Last evaluated: 2016-02-12. Review status: criteria provided, single submitter. Criteria: Ambry Variant Classification Scheme 2023. Collection method: clinical testing. Allele origin: germline.

Department of Pathology and Laboratory Medicine, Sinai Health System
Classification: Uncertain significance. Review status: no assertion criteria provided. Collection method: clinical testing. Allele origin: unknown. Affected: yes. Observed: 1 variant allele. Study: The Canadian Open Genetics Repository (COGR). Not counted in ClinVar's aggregate classification.

Literature cited by the submitters: PubMed 25025451 (cited by Women's Health and Genetics/Laboratory Corporation of America, LabCorp).

NM_000179.3(MSH6):c.3456A>G (p.Val1152=)

Gene: MSH6 (mutS homolog 6; plus strand). Cytogenetic location: 2p16.3.
Variant type: single nucleotide variant.
Coding change: c.3456A>G on transcript NM_000179.3 (MANE Select); coding-DNA position 3456, A replaced by G.
Protein change: p.Val1152=; no amino-acid change (valine 1152 retained).
Molecular consequence: synonymous variant.
Genome position (GRCh38, 1-based): chr2:47,804,927, A>G. VCF-style: chr2-47804927-A-G. GRCh37 (hg19) VCF-style: chr2-48032066-A-G.
Other names: c.3066A>G, p.Val1022= (NM_001281492.2); c.2550A>G, p.Val850= (NM_001281493.2, NM_001281494.2).
Identifiers: ClinVar variation 381234 (VCV000381234.21), dbSNP rs750998416, ClinGen allele CA070990.